The following is an entry in ClinVar:

NM_032383.5(HPS3):c.2289del (p.Phe763fs)

Gene: HPS3 (HPS3 biogenesis of lysosomal organelles complex 2 subunit 1; plus strand). Cytogenetic location: 3q24.
Variant type: Deletion.
Coding change: c.2289del on transcript NM_032383.5 (MANE Select); coding-DNA position 2289, one base deleted (T; older notation c.2289delT).
Protein change: p.Phe763fs; shifts the reading frame from phenylalanine 763.
Molecular consequence: frameshift variant.
Genome position (GRCh38, 1-based): chr3:149,162,330, T deleted; the last of 6 consecutive T bases (chr3:149,162,325-149,162,330); deleting any one gives the same sequence. VCF-style (leftmost placement, unchanged base first): chr3-149162324-CT-C. GRCh37 (hg19) VCF-style: chr3-148880111-CT-C.
Other names: c.1794del, p.Phe598fs (NM_001308258.2); c.2289delT (NM_032383.4); short protein forms F598fs, F763fs.
Identifiers: ClinVar variation 2676084 (VCV002676084.6), dbSNP rs2473120938, ClinGen allele CA645515663.

ClinVar aggregate classification (germline): Pathogenic/Likely pathogenic. Review status: criteria provided, multiple submitters, no conflicts (2 of 4 stars). 4 submissions from 4 submitters: Pathogenic (2); Likely pathogenic (2). Last evaluated 2024-10-21.

Conditions:
Hermansky-Pudlak syndrome (HPS). Also called: ALBINISM WITH HEMORRHAGIC DIATHESIS AND PIGMENTED RETICULOENDOTHELIAL CELLS. Identifiers: Orphanet 79430, MedGen C0079504, MONDO:0019312.
Hermansky-Pudlak syndrome 3 (HPS3). Identifiers: Orphanet 231512, Orphanet 79430, MedGen C3888001, MONDO:0013555, OMIM 614072.

Submissions (4):

Labcorp Genetics (formerly Invitae), Labcorp
Classification: Pathogenic. Last evaluated: 2024-10-21. Review status: criteria provided, single submitter. Criteria: Invitae Variant Classification Sherloc (09022015). Collection method: clinical testing. Allele origin: germline.
Comment: This sequence change creates a premature translational stop signal (p.Phe763Leufs*17) in the HPS3 gene. It is expected to result in an absent or disrupted protein product. Loss-of-function variants in HPS3 are known to be pathogenic (PMID: 11590544). This variant is not present in population databases (gnomAD no frequency). This variant has not been reported in the literature in individuals affected with HPS3-related conditions. For these reasons, this variant has been classified as Pathogenic.

Myriad Genetics, Inc.
Classification: Pathogenic for Hermansky-Pudlak syndrome 3. Last evaluated: 2024-05-14. Review status: criteria provided, single submitter. Criteria: Myriad Autosomal Dominant, Autosomal Recessive and X-Linked Classification Criteria (2023). Collection method: clinical testing. Allele origin: unknown.
Comment: NM_032383.3(HPS3):c.2289delT(F763Lfs*17) is expected to be pathogenic in the context of Hermansky-Pudlak syndrome, HPS3-related. This variant is predicted to lead to an abnormal or absent protein product due to the creation of a premature termination codon in HPS3, a gene where loss-of-function variants are known to be pathogenic. Please note: this variant was assessed in the context of healthy population screening.

Natera, Inc.
Classification: Likely pathogenic for Hermansky-Pudlak syndrome. Last evaluated: 2024-05-05. Review status: criteria provided, single submitter. Criteria: Natera Variant Classification Schema (03/2026). Collection method: clinical testing. Allele origin: germline.
Comment: The c.2289delT variant in HPS3 is a frameshift variant predicted to shift the reading frame beginning at codon 763 and leads to a stop codon 17 codons downstream. This variant is expected to result in nonsense mediated decay, truncation, or a dysfunctional protein product. This variant is rare in the general population with a frequency below the threshold expected for the associated phenotype(s). Given the available evidence, this variant is classified as Likely Pathogenic.

Baylor Genetics
Classification: Likely pathogenic for Hermansky-Pudlak syndrome 3. Last evaluated: 2024-03-07. Review status: criteria provided, single submitter. Criteria: ACMG Guidelines, 2015. Collection method: clinical testing. Allele origin: unknown.

Literature cited by the submitters: PubMed 11590544 (cited by Labcorp Genetics (formerly Invitae), Labcorp).